The following is an entry in ClinVar:

ClinVar aggregate classification (germline): Uncertain significance. Review status: criteria provided, multiple submitters, no conflicts (2 of 4 stars). 3 submissions from 3 submitters: Uncertain significance (3). Last evaluated 2022-07-04.

Conditions:
Autosomal recessive polycystic kidney disease (ARPKD). Also called: AR polycystic kidney disease. Identifiers: Orphanet 731, Orphanet 8378, MedGen C0085548, MeSH D017044, MONDO:0009889.
Polycystic kidney disease 4 (PKD4). Also called: POLYCYSTIC KIDNEY DISEASE 4 WITH OR WITHOUT POLYCYSTIC LIVER DISEASE; POLYCYSTIC KIDNEY AND HEPATIC DISEASE 1; POLYCYSTIC KIDNEY DISEASE, INFANTILE, TYPE I; PKD3; Autosomal Recessive Polycystic Kidney Disease – PKHD1. Identifiers: MedGen C4540575, MONDO:0033004, OMIM 263200.

Allele frequency attached by ClinVar (database versions not stated): ExAC 0.00001; gnomAD 0.00001; gnomAD exomes 0.00001; TOPMed 0.00002.
gnomAD v4.1: 4 of 1,613,412 alleles (0.00025%); highest among the groups gnomAD compares: Admixed American, 0.005%; no homozygotes.

Submissions (3):

Department of Pathology and Laboratory Medicine, Sinai Health System
Classification: Uncertain significance for Polycystic kidney disease 4. Last evaluated: 2022-07-04. Review status: criteria provided, single submitter. Criteria: ACMG Guidelines, 2015. Collection method: research. Allele origin: germline.

Labcorp Genetics (formerly Invitae), Labcorp
Classification: Uncertain significance for Autosomal recessive polycystic kidney disease. Last evaluated: 2022-06-26. Review status: criteria provided, single submitter. Criteria: Invitae Variant Classification Sherloc (09022015). Collection method: clinical testing. Allele origin: germline.
Comment: This sequence change replaces glutamic acid, which is acidic and polar, with glutamine, which is neutral and polar, at codon 2194 of the PKHD1 protein (p.Glu2194Gln). This variant is present in population databases (rs774380534, gnomAD 0.009%). This variant has not been reported in the literature in individuals affected with PKHD1-related conditions. Advanced modeling of protein sequence and biophysical properties (such as structural, functional, and spatial information, amino acid conservation, physicochemical variation, residue mobility, and thermodynamic stability) performed at Invitae indicates that this missense variant is not expected to disrupt PKHD1 protein function. In summary, the available evidence is currently insufficient to determine the role of this variant in disease. Therefore, it has been classified as a Variant of Uncertain Significance.

GeneDx
Classification: Uncertain significance. Last evaluated: 2022-04-05. Review status: criteria provided, single submitter. Criteria: GeneDx Variant Classification Process June 2021. Collection method: clinical testing. Allele origin: germline. Affected: yes.
Comment: Not observed at significant frequency in large population cohorts (gnomAD); In silico analysis supports that this missense variant does not alter protein structure/function; Has not been previously published as pathogenic or benign to our knowledge

NM_138694.4(PKHD1):c.6580G>C (p.Glu2194Gln)

Gene: PKHD1 (PKHD1 ciliary IPT domain containing fibrocystin/polyductin; minus strand). Cytogenetic location: 6p12.2.
Variant type: single nucleotide variant.
Coding change: c.6580G>C on transcript NM_138694.4 (MANE Select); coding-DNA position 6580, G replaced by C.
Protein change: p.Glu2194Gln; replaces glutamic acid 2194 with glutamine.
Molecular consequence: missense variant.
Genome position (GRCh38, 1-based): chr6:51,909,385, C>G on the plus strand (G>C on the coding strand, the complement: PKHD1 is on the minus strand). VCF-style: chr6-51909385-C-G. GRCh37 (hg19) VCF-style: chr6-51774183-C-G.
Other names: c.6580G>C, p.Glu2194Gln (NM_170724.3); short protein forms E2194Q.
Identifiers: ClinVar variation 1708571 (VCV001708571.5), dbSNP rs774380534, ClinGen allele CA3852228.
Genomic context (GRCh38, chr6:51,909,385, plus strand): 5'-GGAAGGCTTGCCCCAAGACTTGAAACTGCACTCCCTTCAACTGGACCTGGCTGGGCTCTT[C>G]TGGGAAGGACTGAACGATCACTCTGGCTCCCATATCCCTGGATCCTAGCATCTTCTCACT-3'
Protein context (NP_619639.3, residues 2184-2204): GARVIVQSFP[Glu2194Gln]EPSQVQLKGV